The following is an entry in ClinVar:

ClinVar aggregate classification (germline): Pathogenic (1 of 4 stars; one submission).

Allele frequency attached by ClinVar (database versions not stated): gnomAD exomes below 0.00001; gnomAD 0.00001.
gnomAD v4.1: 3 of 1,613,824 alleles (0.00019%); highest among the groups gnomAD compares: Non-Finnish European, 0.000085%; no homozygotes.

Submission:

Labcorp Genetics (formerly Invitae), Labcorp
Classification: Pathogenic. Last evaluated: 2023-08-17. Review status: criteria provided, single submitter. Criteria: Invitae Variant Classification Sherloc (09022015). Collection method: clinical testing. Allele origin: germline.
Comment: This sequence change creates a premature translational stop signal (p.Glu2155*) in the ATR gene. It is expected to result in an absent or disrupted protein product. Loss-of-function variants in ATR are known to be pathogenic (PMID: 21228398, 23144622). This variant is not present in population databases (gnomAD no frequency). This variant has not been reported in the literature in individuals affected with ATR-related conditions. ClinVar contains an entry for this variant (Variation ID: 2043590). For these reasons, this variant has been classified as Pathogenic.

Literature cited by the submitters: PubMed 21228398; PubMed 23144622.

NM_001184.4(ATR):c.6463G>T (p.Glu2155Ter)

Gene: ATR (ATR checkpoint kinase; minus strand). Cytogenetic location: 3q23.
Variant type: single nucleotide variant.
Coding change: c.6463G>T on transcript NM_001184.4 (MANE Select); coding-DNA position 6463, G replaced by T.
Protein change: p.Glu2155Ter; replaces glutamic acid 2155 with a stop codon.
Molecular consequence: nonsense.
Genome position (GRCh38, 1-based): chr3:142,469,426, C>A on the plus strand (G>T on the coding strand, the complement: ATR is on the minus strand). VCF-style: chr3-142469426-C-A. GRCh37 (hg19) VCF-style: chr3-142188268-C-A.
Other names: c.6271G>T, p.Glu2091Ter (NM_001354579.2); short protein forms E2155*, E2091*.
Identifiers: ClinVar variation 2043590 (VCV002043590.4), dbSNP rs2071205632, ClinGen allele CA354804640.